The following is an entry in ClinVar:

NM_002528.7(NTHL1):c.548A>C (p.Gln183Pro)

Gene: NTHL1 (nth like DNA glycosylase 1; minus strand). Cytogenetic location: 16p13.3.
Variant type: single nucleotide variant.
Coding change: c.548A>C on transcript NM_002528.7 (MANE Select); coding-DNA position 548, A replaced by C.
Protein change: p.Gln183Pro; replaces glutamine 183 with proline.
Molecular consequence: missense variant.
Genome position (GRCh38, 1-based): chr16:2,043,704, T>G on the plus strand (A>C on the coding strand, the complement: NTHL1 is on the minus strand). VCF-style: chr16-2043704-T-G. GRCh37 (hg19) VCF-style: chr16-2093705-T-G.
Other names: c.377A>C, p.Gln126Pro (NM_001318193.2); c.218A>C, p.Gln73Pro (NM_001318194.2); short protein forms Q126P, Q183P, Q73P.
Identifiers: ClinVar variation 2446939 (VCV002446939.6), dbSNP rs1596219441, ClinGen allele CA394292364.

ClinVar aggregate classification (germline): Uncertain significance. Review status: criteria provided, multiple submitters, no conflicts (2 of 4 stars). 2 submissions from 2 submitters: Uncertain significance (2). Last evaluated 2025-12-03.

Conditions:
Hereditary cancer-predisposing syndrome. Also called: Neoplastic Syndromes, Hereditary; Hereditary Cancer Syndrome; Tumor predisposition; Hereditary neoplastic syndrome. Identifiers: Orphanet 140162, MedGen C0027672, MeSH D009386, MONDO:0015356.

Submissions (2):

Ambry Genetics
Classification: Uncertain significance for Hereditary cancer-predisposing syndrome. Last evaluated: 2025-12-03. Review status: criteria provided, single submitter. Criteria: Ambry Variant Classification Scheme 2023. Collection method: clinical testing. Allele origin: germline.

Labcorp Genetics (formerly Invitae), Labcorp
Classification: Uncertain significance. Last evaluated: 2023-12-05. Review status: criteria provided, single submitter. Criteria: Invitae Variant Classification Sherloc (09022015). Collection method: clinical testing. Allele origin: germline.
Comment: This sequence change replaces glutamine, which is neutral and polar, with proline, which is neutral and non-polar, at codon 191 of the NTHL1 protein (p.Gln191Pro). This variant is not present in population databases (gnomAD no frequency). This variant has not been reported in the literature in individuals affected with NTHL1-related conditions. ClinVar contains an entry for this variant (Variation ID: 2446939). An algorithm developed to predict the effect of missense changes on protein structure and function (PolyPhen-2) suggests that this variant is likely to be disruptive. In summary, the available evidence is currently insufficient to determine the role of this variant in disease. Therefore, it has been classified as a Variant of Uncertain Significance.